The following is an entry in ClinVar:

NM_005219.5(DIAPH1):c.3519G>A (p.Glu1173=)

Gene: DIAPH1 (diaphanous related formin 1; minus strand). Cytogenetic location: 5q31.3.
Variant type: single nucleotide variant.
Coding change: c.3519G>A on transcript NM_005219.5 (MANE Select); coding-DNA position 3519, G replaced by A.
Protein change: p.Glu1173=; no amino-acid change (glutamic acid 1173 retained).
Molecular consequence: synonymous variant.
Genome position (GRCh38, 1-based): chr5:141,526,093, C>T on the plus strand (G>A on the coding strand, the complement: DIAPH1 is on the minus strand). VCF-style: chr5-141526093-C-T. GRCh37 (hg19) VCF-style: chr5-140905660-C-T.
Other names: c.3492G>A, p.Glu1164= (NM_001079812.3); c.3519G>A, p.Glu1173= (NM_001314007.2).
Identifiers: ClinVar variation 1570092 (VCV001570092.32), dbSNP rs1241177697, ClinGen allele CA447043184.

ClinVar aggregate classification (germline): Likely benign. Review status: criteria provided, multiple submitters, no conflicts (2 of 4 stars). 2 submissions from 2 submitters: Likely benign (2). Last evaluated 2023-11-28.

Conditions:
Autosomal dominant nonsyndromic hearing loss 1. Also called: DEAFNESS, AUTOSOMAL DOMINANT 1, WITH OR WITHOUT THROMBOCYTOPENIA; KONIGSMARK SYNDROME. Identifiers: Orphanet 90635, MedGen C1852282, MONDO:0007424, OMIM 124900.
Progressive microcephaly-seizures-cortical blindness-developmental delay syndrome. Also called: Seizures, cortical blindness, and microcephaly syndrome. Identifiers: Orphanet 477814, MedGen C5567650, MONDO:0014714, OMIM 616632.

Allele frequency attached by ClinVar (database versions not stated): gnomAD exomes below 0.00001; TOPMed below 0.00001; gnomAD 0.00001.
gnomAD v4.1: 7 of 1,614,046 alleles (0.00043%); highest among the groups gnomAD compares: Non-Finnish European, 0.00059%; no homozygotes.

Submissions (2):

Labcorp Genetics (formerly Invitae), Labcorp
Classification: Likely benign for Progressive microcephaly-seizures-cortical blindness-developmental delay syndrome; Autosomal dominant nonsyndromic hearing loss 1. Last evaluated: 2023-11-28. Review status: criteria provided, single submitter. Criteria: Invitae Variant Classification Sherloc (09022015). Collection method: clinical testing. Allele origin: germline.

CeGaT Center for Human Genetics Tuebingen
Classification: Likely benign. Last evaluated: 2022-10-01. Review status: criteria provided, single submitter. Criteria: CeGaT Center For Human Genetics Tuebingen Variant Classification Criteria Version 2. Collection method: clinical testing. Allele origin: germline. Affected: yes. Observed: 1 variant allele.
Comment: DIAPH1: BP4, BP7